The following is an entry in ClinVar:

ClinVar aggregate classification (germline): Uncertain significance. Review status: criteria provided, multiple submitters, no conflicts (2 of 4 stars). 4 submissions from 4 submitters: Uncertain significance (4). Last evaluated 2025-10-05.

Conditions:
Hereditary cancer-predisposing syndrome. Also called: Neoplastic Syndromes, Hereditary; Hereditary neoplastic syndrome; Hereditary Cancer Syndrome; Tumor predisposition. Identifiers: Orphanet 140162, MedGen C0027672, MeSH D009386, MONDO:0015356.
Tuberous sclerosis syndrome (TSC). Also called: Tuberous sclerosis; Tuberous Sclerosis Complex. Identifiers: Orphanet 805, MedGen C0041341, MONDO:0001734.
Tuberous sclerosis 1 (TSC1). Identifiers: Orphanet 805, MedGen C1854465, MONDO:0008612, OMIM 191100.

Submissions (4):

Ambry Genetics
Classification: Uncertain significance for Hereditary cancer-predisposing syndrome. Last evaluated: 2025-10-05. Review status: criteria provided, single submitter. Criteria: Ambry Variant Classification Scheme 2023. Collection method: clinical testing. Allele origin: germline.
Comment: The p.T578I variant (also known as c.1733C>T), located in coding exon 13 of the TSC1 gene, results from a C to T substitution at nucleotide position 1733. The threonine at codon 578 is replaced by isoleucine, an amino acid with similar properties. This amino acid position is well conserved in available vertebrate species. In addition, this alteration is predicted to be tolerated by in silico analysis. Since supporting evidence is limited at this time, the clinical significance of this alteration remains unclear.

Labcorp Genetics (formerly Invitae), Labcorp
Classification: Uncertain significance for Tuberous sclerosis 1. Last evaluated: 2025-09-10. Review status: criteria provided, single submitter. Criteria: Invitae Variant Classification Sherloc (09022015). Collection method: clinical testing. Allele origin: germline.
Comment: This sequence change replaces threonine, which is neutral and polar, with isoleucine, which is neutral and non-polar, at codon 578 of the TSC1 protein (p.Thr578Ile). This variant is not present in population databases (gnomAD no frequency). This variant has not been reported in the literature in individuals affected with TSC1-related conditions. ClinVar contains an entry for this variant (Variation ID: 653692). Invitae Evidence Modeling of protein sequence and biophysical properties (such as structural, functional, and spatial information, amino acid conservation, physicochemical variation, residue mobility, and thermodynamic stability) indicates that this missense variant is not expected to disrupt TSC1 protein function with a negative predictive value of 95%. In summary, the available evidence is currently insufficient to determine the role of this variant in disease. Therefore, it has been classified as a Variant of Uncertain Significance.

Quest Diagnostics Nichols Institute San Juan Capistrano
Classification: Uncertain significance. Last evaluated: 2024-06-12. Review status: criteria provided, single submitter. Criteria: Quest Diagnostics criteria. Collection method: clinical testing. Allele origin: unknown.

All of Us Research Program, National Institutes of Health
Classification: Uncertain significance for Tuberous sclerosis syndrome. Last evaluated: 2024-03-24. Review status: criteria provided, single submitter. Criteria: ACMG Guidelines, 2015. Collection method: clinical testing. Allele origin: germline. Inheritance: Autosomal dominant inheritance. Observed: 1 variant allele, 1 heterozygote.
Comment: This missense variant replaces threonine with isoleucine at codon 578 of the TSC1 protein. Computational prediction suggests that this variant may not impact protein structure and function (internally defined REVEL score threshold <= 0.5, PMID: 27666373). To our knowledge, functional studies have not been reported for this variant. This variant has not been reported in individuals affected with TSC1-related disorders in the literature. This variant has not been identified in the general population by the Genome Aggregation Database (gnomAD). The available evidence is insufficient to determine the role of this variant in disease conclusively. Therefore, this variant is classified as a Variant of Uncertain Significance.

This study involves interpretation of variants in research participants for the purpose of population health screening. Participant phenotype was not available at the time of variant classification. Additional details can be found in publication PMID: 35346344, PMCID: PMC8962531

NM_000368.5(TSC1):c.1733C>T (p.Thr578Ile)

Gene: TSC1 (TSC complex subunit 1; minus strand). Cytogenetic location: 9q34.13.
Variant type: single nucleotide variant.
Coding change: c.1733C>T on transcript NM_000368.5 (MANE Select); coding-DNA position 1733, C replaced by T.
Protein change: p.Thr578Ile; replaces threonine 578 with isoleucine.
Molecular consequence: missense variant.
Genome position (GRCh38, 1-based): chr9:132,905,845, G>A on the plus strand (C>T on the coding strand, the complement: TSC1 is on the minus strand). VCF-style: chr9-132905845-G-A. GRCh37 (hg19) VCF-style: chr9-135781232-G-A.
Other names: c.1730C>T, p.Thr577Ile (NM_001162426.2); c.1580C>T, p.Thr527Ile (NM_001162427.2); c.1370C>T, p.Thr457Ile (NM_001362177.2); short protein forms T457I, T527I, T578I, T577I.
Identifiers: ClinVar variation 653692 (VCV000653692.12), dbSNP rs1588309612, ClinGen allele CA375363905.